The following is an entry in ClinVar:

ClinVar aggregate classification (germline): Pathogenic/Likely pathogenic. Review status: criteria provided, multiple submitters, no conflicts (2 of 4 stars). 2 submissions from 2 submitters: Pathogenic (1); Likely pathogenic (1). Last evaluated 2026-04-16.

Conditions:
PKD1-related disorder. Also called: PKD1-related condition.

Submissions (2):

GeneDx
Classification: Likely pathogenic. Last evaluated: 2026-04-16. Review status: criteria provided, single submitter. Criteria: GeneDx Variant Classification Process June 2021. Collection method: clinical testing. Allele origin: germline.
Comment: Frameshift variant predicted to result in protein truncation, as the last 241 amino acids are replaced with 93 different amino acids, and other loss-of-function variants have been reported downstream in the Human Gene Mutation Database (HGMD); Not observed at significant frequency in large population cohorts (gnomAD); Has not been previously published as pathogenic or benign to our knowledge

PreventionGenetics, part of Exact Sciences
Classification: Pathogenic for PKD1-related condition. Last evaluated: 2024-12-18. Review status: criteria provided, single submitter. Criteria: ACMG Guidelines, 2015. Collection method: clinical testing. Allele origin: germline.
Comment: The PKD1 c.12185dupT variant is predicted to result in a frameshift and premature protein termination (p.Leu4063Valfs*94). To our knowledge, this variant has not been reported in the literature or in a large population database (gnomAD), indicating this variant is rare. Frameshift variants in PKD1 are expected to be pathogenic. This variant is interpreted as pathogenic.

NM_001009944.3(PKD1):c.12185dup (p.Leu4063fs)

Gene: PKD1 (polycystin 1, transient receptor potential channel interacting; minus strand). Cytogenetic location: 16p13.3.
Variant type: Duplication.
Coding change: c.12185dup on transcript NM_001009944.3 (MANE Select); coding-DNA position 12185, one base duplicated (T; older notation c.12185dupT).
Protein change: p.Leu4063fs; shifts the reading frame from leucine 4063.
Molecular consequence: frameshift variant.
Genome position (GRCh38, 1-based): chr16:2,090,544, A duplicated on the plus strand (T on the coding strand, the reverse complement: PKD1 is on the minus strand). VCF-style (leftmost placement, unchanged base first): chr16-2090543-C-CA. GRCh37 (hg19) VCF-style: chr16-2140544-C-CA.
Other names: c.12182dup, p.Leu4062fs (NM_000296.4); c.12185dupT (NM_001009944.2); short protein forms L4062fs, L4063fs.
Identifiers: ClinVar variation 4988733 (VCV004988733.2).